The following is an entry in ClinVar:

ClinVar aggregate classification (germline): Likely benign (1 of 4 stars; one submission).

Allele frequency attached by ClinVar (database versions not stated): TOPMed 0.00002; gnomAD 0.00003; gnomAD exomes 0.00018.
gnomAD v4.1: 217 of 1,355,176 alleles (0.016%); highest among the groups gnomAD compares: Non-Finnish European, 0.02%; no homozygotes.

Submission:

CeGaT Center for Human Genetics Tuebingen
Classification: Likely benign. Last evaluated: 2024-02-01. Review status: criteria provided, single submitter. Criteria: CeGaT Center For Human Genetics Tuebingen Variant Classification Criteria Version 2. Collection method: clinical testing. Allele origin: germline. Affected: yes. Observed: 1 variant allele.
Comment: MAGEL2: BP4, BP7

NM_019066.5(MAGEL2):c.1476G>A (p.Leu492=)

Gene: MAGEL2 (MAGE family member L2; minus strand). Cytogenetic location: 15q11.2.
Variant type: single nucleotide variant.
Coding change: c.1476G>A on transcript NM_019066.5 (MANE Select); coding-DNA position 1476, G replaced by A.
Protein change: p.Leu492=; no amino-acid change (leucine 492 retained).
Molecular consequence: synonymous variant.
Genome position (GRCh38, 1-based): chr15:23,646,267, C>T on the plus strand (G>A on the coding strand, the complement: MAGEL2 is on the minus strand). VCF-style: chr15-23646267-C-T. GRCh37 (hg19) VCF-style: chr15-23891414-C-T.
Identifiers: ClinVar variation 3026370 (VCV003026370.22), dbSNP rs909345244, ClinGen allele CA267660308.